The following is an entry in ClinVar:

NM_001365308.1(BMPER):c.1306C>T (p.Leu436Phe)

Gene: BMPER (BMP binding endothelial regulator; plus strand). Cytogenetic location: 7p14.3.
Variant type: single nucleotide variant.
Coding change: c.1306C>T on transcript NM_001365308.1 (MANE Select); coding-DNA position 1306, C replaced by T.
Protein change: p.Leu436Phe; replaces leucine 436 with phenylalanine.
Molecular consequence: missense variant.
Genome position (GRCh38, 1-based): chr7:34,079,084, C>T. VCF-style: chr7-34079084-C-T. GRCh37 (hg19) VCF-style: chr7-34118696-C-T.
Other names: c.1306C>T, p.Leu436Phe (NM_133468.5); c.1306C>T (NM_133468.3); short protein forms L436F.
Identifiers: ClinVar variation 1355406 (VCV001355406.9), dbSNP rs1014174777, ClinGen allele CA156265220.

ClinVar aggregate classification (germline): Uncertain significance. Review status: criteria provided, multiple submitters, no conflicts (2 of 4 stars). 2 submissions from 2 submitters: Uncertain significance (2). Last evaluated 2024-02-17.

Conditions:
Inborn genetic diseases. Identifiers: MedGen C0950123, MeSH D030342.

Allele frequency attached by ClinVar (database versions not stated): gnomAD exomes below 0.00001; TOPMed 0.00001.

Submissions (2):

Labcorp Genetics (formerly Invitae), Labcorp
Classification: Uncertain significance. Last evaluated: 2024-02-17. Review status: criteria provided, single submitter. Criteria: Invitae Variant Classification Sherloc (09022015). Collection method: clinical testing. Allele origin: germline.
Comment: This sequence change replaces leucine, which is neutral and non-polar, with phenylalanine, which is neutral and non-polar, at codon 436 of the BMPER protein (p.Leu436Phe). This variant is present in population databases (no rsID available, gnomAD 0.007%). This variant has not been reported in the literature in individuals affected with BMPER-related conditions. ClinVar contains an entry for this variant (Variation ID: 1355406). Advanced modeling of protein sequence and biophysical properties (such as structural, functional, and spatial information, amino acid conservation, physicochemical variation, residue mobility, and thermodynamic stability) has been performed at Invitae for this missense variant, however the output from this modeling did not meet the statistical confidence thresholds required to predict the impact of this variant on BMPER protein function. In summary, the available evidence is currently insufficient to determine the role of this variant in disease. Therefore, it has been classified as a Variant of Uncertain Significance.

Ambry Genetics
Classification: Uncertain significance for Inborn genetic diseases. Last evaluated: 2021-10-12. Review status: criteria provided, single submitter. Criteria: Ambry Variant Classification Scheme 2023. Collection method: clinical testing. Allele origin: germline.